The following is an entry in ClinVar:

ClinVar aggregate classification (germline): Benign/Likely benign. Review status: criteria provided, multiple submitters, no conflicts (2 of 4 stars). 4 submissions from 4 submitters: Benign (1); Likely benign (2). 1 of the submissions does not count toward it. Last evaluated 2025-09-16.

Conditions:
SPTBN2-related disorder. Also called: SPTBN2-related condition.

Allele frequency attached by ClinVar (database versions not stated): ExAC 0.00008; gnomAD exomes 0.00011; gnomAD 0.00012; TOPMed 0.00012; ESP Exome Variant Server 0.00015.
gnomAD v4.1: 340 of 1,613,088 alleles (0.021%); highest among the groups gnomAD compares: Non-Finnish European, 0.027%; no homozygotes.

Submissions (4):

Labcorp Genetics (formerly Invitae), Labcorp
Classification: Likely benign. Last evaluated: 2025-09-16. Review status: criteria provided, single submitter. Criteria: Invitae Variant Classification Sherloc (09022015). Collection method: clinical testing. Allele origin: germline.

Mayo Clinic Laboratories, Mayo Clinic
Classification: Likely benign. Last evaluated: 2025-04-21. Review status: criteria provided, single submitter. Criteria: ACMG Guidelines, 2015. Collection method: clinical testing. Allele origin: germline. Observed: 1 variant allele.
Comment: BP4, BP7

Athena Diagnostics
Classification: Benign. Last evaluated: 2023-12-13. Review status: criteria provided, single submitter. Criteria: Athena Diagnostics Criteria. Collection method: clinical testing. Allele origin: unknown.

PreventionGenetics, part of Exact Sciences
Classification: Likely benign for SPTBN2-related condition. Last evaluated: 2019-08-29. Review status: no assertion criteria provided. Collection method: clinical testing. Allele origin: germline. Not counted in ClinVar's aggregate classification.
Comment: This variant is classified as likely benign based on ACMG/AMP sequence variant interpretation guidelines (Richards et al. 2015 PMID: 25741868, with internal and published modifications).

NM_006946.4(SPTBN2):c.5310C>G (p.Ala1770=)

Gene: SPTBN2 (spectrin beta, non-erythrocytic 2; minus strand). Cytogenetic location: 11q13.2.
Variant type: single nucleotide variant.
Coding change: c.5310C>G on transcript NM_006946.4 (MANE Select); coding-DNA position 5310, C replaced by G.
Protein change: p.Ala1770=; no amino-acid change (alanine 1770 retained).
Molecular consequence: synonymous variant.
Genome position (GRCh38, 1-based): chr11:66,691,539, G>C on the plus strand (C>G on the coding strand, the complement: SPTBN2 is on the minus strand). VCF-style: chr11-66691539-G-C. GRCh37 (hg19) VCF-style: chr11-66459010-G-C.
Other names: p.Ala1770=; c.5310C>G (NM_006946.3).
Identifiers: ClinVar variation 805363 (VCV000805363.12), dbSNP rs142489577, ClinGen allele CA6128300.
Genomic context (GRCh38, chr11:66,691,539, plus strand): 5'-CAGCAGCTCAAGCAGGTCAGCCCAGGCCTCGTTGAGACTGTCCTTCCACTCGGCCACGGT[G>C]GCCCGTGCAGCATGGCCCCCAGCAATGAGCCCATTGGCCAGCGCATTGGCGCTATCTACG-3'
Protein context (NP_008877.2, residues 1760-1780): GLIAGGHAAR[Ala1770=]TVAEWKDSLN